The following is an entry in ClinVar:

ClinVar aggregate classification (germline): Uncertain significance. Review status: criteria provided, multiple submitters, no conflicts (2 of 4 stars). 3 submissions from 3 submitters: Uncertain significance (3). Last evaluated 2025-10-14.

Conditions:
Aortic aneurysm, familial thoracic 7 (AAT7). Also called: AORTIC DISSECTION, FAMILIAL, WITH OR WITHOUT AORTIC ANEURYSM. Identifiers: MedGen C3151077, MONDO:0013418, OMIM 613780.
Familial thoracic aortic aneurysm and aortic dissection (TAAD). Also called: Thoracic aortic aneurysms and dissections. Identifiers: Orphanet 91387, MedGen C4707243, MONDO:0019625.

Allele frequency attached by ClinVar (database versions not stated): ExAC 0.00001; gnomAD exomes 0.00001.
gnomAD v4.1: 9 of 1,613,992 alleles (0.00056%); highest among the groups gnomAD compares: Middle Eastern, 0.12%; no homozygotes.

Submissions (3):

Ambry Genetics
Classification: Uncertain significance for Familial thoracic aortic aneurysm and aortic dissection. Last evaluated: 2025-10-14. Review status: criteria provided, single submitter. Criteria: Ambry Variant Classification Scheme 2023. Collection method: clinical testing. Allele origin: germline.
Comment: The p.E444K variant (also known as c.1330G>A), located in coding exon 8 of the MYLK gene, results from a G to A substitution at nucleotide position 1330. The glutamic acid at codon 444 is replaced by lysine, an amino acid with similar properties. Based on data from ExAC, the A allele has an overall frequency less than 0.01% (1/100722). This variant was not reported in population based cohorts in the following databases: Database of Single Nucleotide Polymorphisms (dbSNP), NHLBI Exome Sequencing Project (ESP), and 1000 Genomes Project. In the ESP, this variant was not observed in 6503 samples (13006 alleles) with coverage at this position. This amino acid position is not well conserved on limited sequence alignment. In addition, this alteration is predicted to be tolerated by in silico analysis. Since supporting evidence is limited at this time, the clinical significance of this alteration remains unclear.

Labcorp Genetics (formerly Invitae), Labcorp
Classification: Uncertain significance for Aortic aneurysm, familial thoracic 7. Last evaluated: 2022-07-22. Review status: criteria provided, single submitter. Criteria: Invitae Variant Classification Sherloc (09022015). Collection method: clinical testing. Allele origin: germline.
Comment: In summary, the available evidence is currently insufficient to determine the role of this variant in disease. Therefore, it has been classified as a Variant of Uncertain Significance. Advanced modeling of protein sequence and biophysical properties (such as structural, functional, and spatial information, amino acid conservation, physicochemical variation, residue mobility, and thermodynamic stability) performed at Invitae indicates that this missense variant is not expected to disrupt MYLK protein function. ClinVar contains an entry for this variant (Variation ID: 519983). This variant has not been reported in the literature in individuals affected with MYLK-related conditions. This variant is present in population databases (rs766381045, gnomAD 0.01%). This sequence change replaces glutamic acid, which is acidic and polar, with lysine, which is basic and polar, at codon 444 of the MYLK protein (p.Glu444Lys).

Fulgent Genetics
Classification: Uncertain significance for Aortic aneurysm, familial thoracic 7. Last evaluated: 2018-10-31. Review status: criteria provided, single submitter. Criteria: ACMG Guidelines, 2015. Collection method: clinical testing. Allele origin: unknown.

NM_053025.4(MYLK):c.1330G>A (p.Glu444Lys)

Gene: MYLK (myosin light chain kinase; minus strand). Cytogenetic location: 3q21.1.
Variant type: single nucleotide variant.
Coding change: c.1330G>A on transcript NM_053025.4 (MANE Select); coding-DNA position 1330, G replaced by A.
Protein change: p.Glu444Lys; replaces glutamic acid 444 with lysine.
Molecular consequence: missense variant. On other transcripts: intron variant (2).
Genome position (GRCh38, 1-based): chr3:123,733,082, C>T on the plus strand (G>A on the coding strand, the complement: MYLK is on the minus strand). VCF-style: chr3-123733082-C-T. GRCh37 (hg19) VCF-style: chr3-123451929-C-T.
Other names: c.802G>A, p.Glu268Lys (NM_001321309.2); c.1330G>A, p.Glu444Lys (NM_053027.4); c.1309+605G>A (NM_053028.4, NM_053026.4); short protein forms E444K, E268K.
Identifiers: ClinVar variation 519983 (VCV000519983.12), dbSNP rs766381045, ClinGen allele CA067003.